The following continues an entry in ClinVar:

NM_000543.5(SMPD1):c.340G>A (p.Val114Met)

Gene: SMPD1. ClinVar aggregate classification (germline): Uncertain significance. Uncertain significance (18).

Submissions 14 to 20 of 20:

Broad Center for Mendelian Genomics, Broad Institute of MIT and Harvard
Classification: Uncertain significance for Sphingomyelin/cholesterol lipidosis. Last evaluated: 2020-01-22. Review status: criteria provided, single submitter. Criteria: ACMG Guidelines, 2015. Collection method: curation. Allele origin: germline. Inheritance: Autosomal dominant inheritance.
Comment: The p.Val114Met variant in SMPD1 (also known as p.Val112Met due to a difference in cDNA numbering) has been reported in at least 2 Macedonian individuals with Niemann-Pick Disease, segregated with disease in 2 affected relatives from 1 family (PMID: 22367733), and has been identified in 0.309% (32/10360) of Ashkenazi Jewish chromosomes by the Genome Aggregation Database (gnomAD; dbSNP rs142215226). This variant has also been reported in ClinVar (VariationID: 281705) as a VUS by EGL Genetic Diagnostics, CeGaT Praxis fuer Humangenetik Tuebingen, Shahid Beheshti University of Medical Sciences, and Illumina Clinical Services Laboratory. The Val at position 114 is not highly conserved in mammals and evolutionary distant species, and 1 mammal (Ferret) carries a Met, raising the supporting that this change at this position may be tolerated. Additional computational prediction tools do not provide strong support for or against an impact to the protein. The p.Val114Met variant is located in a region of SMPD1 that is essential to protein folding and stability, suggesting that this variant is in a functional domain and slightly supports pathogenicity (PMID: 30788890). The phenotype of an individual compound heterozygous for this variant is highly specific for Niemann-Pick disease based on acid sphingomelinase activity being less than 10% of normal consistent with disease (PMID: 22367733). In summary, the clinical significance of the p.Val114Met variant is uncertain. ACMG/AMP Criteria applied: BS1, PP4, PM3_supporting, PM1_supporting (Richards 2015).

Eurofins Ntd Llc (ga)
Classification: Uncertain significance. Last evaluated: 2018-07-25. Review status: criteria provided, single submitter. Criteria: EGL ClinVar v180209 classification definitions. Collection method: clinical testing. Allele origin: germline. Observed: 10 variant alleles, 10 heterozygotes.

Genomic Research Center, Shahid Beheshti University of Medical Sciences
Classification: Uncertain significance for Niemann-Pick disease, type A. Last evaluated: 2017-12-18. Review status: criteria provided, single submitter. Criteria: ACMG Guidelines, 2015. Collection method: clinical testing. Allele origin: inherited. Affected: yes.

CeGaT Center for Human Genetics Tuebingen
Classification: Uncertain significance. Last evaluated: 2016-08-31. Review status: criteria provided, single submitter. Criteria: Praxis fuer Humangenetik Tuebingen - Variant Classification Criteria. Collection method: clinical testing. Allele origin: germline. Affected: yes. Observed: 1 variant allele.

Breakthrough Genomics
Classification: Uncertain significance. Review status: criteria provided, single submitter. Criteria: ACMG Guidelines, 2015. Collection method: not provided. Allele origin: germline. Inheritance: Autosomal recessive inheritance. Affected: yes.

Natera, Inc.
Classification: Uncertain significance for Acid sphingomyelinase deficiency. Last evaluated: 2019-08-02. Review status: no assertion criteria provided. Collection method: clinical testing. Allele origin: germline. Not counted in ClinVar's aggregate classification.

Department of Pathology and Laboratory Medicine, Sinai Health System
Classification: Uncertain significance. Review status: no assertion criteria provided. Collection method: clinical testing. Allele origin: unknown. Affected: yes. Study: The Canadian Open Genetics Repository (COGR). Not counted in ClinVar's aggregate classification.
Comment: The SMPD1 p.Val113Met variant was identified in the literature in one homozygote patient of six patients with hyperprolinaemia (freq: 0.167) (Reid_2017_PMID:28255779). A case study of two siblings with Niemann-Pick Disease type B also identified the V113M variant along with a H554Y variant in the SMPD1 gene; the mother carried the V113M variant and the father carried the H554Y variant (Gucev_2013_PMID:22367733). The variant was also identified in dbSNP (ID: rs142215226), ClinVar (classified as a VUS by EGL Genetics, Praxis fuer Humangenetik Tuebingen and Genomic Research Center, Shahid Beheshti University of Medical Sciences), Cosmic (FATHMM predicted pathogenic; score=0.72) and LOVD 3.0. The variant was identified in control databases in 207 of 281774 chromosomes at a frequency of 0.000735 increasing the likelihood this could be a low frequency benign variant (Genome Aggregation Database Feb 27, 2017). The variant was observed in the following populations: Ashkenazi Jewish in 32 of 10360 chromosomes (freq: 0.003089), Other in 10 of 7204 chromosomes (freq: 0.001388), European (non-Finnish) in 136 of 128262 chromosomes (freq: 0.00106), South Asian in 12 of 30614 chromosomes (freq: 0.000392), Latino in 13 of 35426 chromosomes (freq: 0.000367) and African in 4 of 24908 chromosomes (freq: 0.000161), while the variant was not observed in the East Asian and European (Finnish) populations. The p.Val113 residue is conserved in mammals and computational analyses (PolyPhen-2, SIFT, AlignGVGD, BLOSUM, MutationTaster) provide inconsistent predictions regarding the impact to the protein; this information is not very predictive of pathogenicity. The variant occurs outside of the splicing consensus sequence and in silico or computational prediction software programs (SpliceSiteFinder, MaxEntScan, NNSPLICE, GeneSplicer) do not predict a difference in splicing. In summary, based on the above information the clinical significance of this variant cannot be determined with certainty at this time. This variant is classified as a variant of uncertain significance.

Literature cited by the submitters: PubMed 22367733 (cited by 7 submitters); PubMed 31941852 (cited by Women's Health and Genetics/Laboratory Corporation of America, LabCorp); PubMed 39572736 (cited by Women's Health and Genetics/Laboratory Corporation of America, LabCorp); PubMed 38730490 (cited by Women's Health and Genetics/Laboratory Corporation of America, LabCorp); PubMed 28255779 (cited by 3 submitters); PubMed 30788890 (cited by Broad Center for Mendelian Genomics, Broad Institute of MIT and Harvard).